The following is an entry in ClinVar:

NM_000489.6(ATRX):c.3495_3500del (p.Asn1165_Lys1166del)

Gene: ATRX (ATRX chromatin remodeler; minus strand). Cytogenetic location: Xq21.1.
Variant type: Deletion.
Coding change: c.3495_3500del on transcript NM_000489.6 (MANE Select); coding-DNA positions 3495 to 3500, 6 bases deleted (TAAAAA; older notation c.3495_3500delTAAAAA).
Protein change: p.Asn1165_Lys1166del.
Molecular consequence: inframe deletion.
Genome position (GRCh38, 1-based): chrX:77,681,756-77,681,761, TTTTTA deleted on the plus strand (TAAAAA on the coding strand, the reverse complement: ATRX is on the minus strand); deleting any 6 consecutive bases within chrX:77,681,756-77,681,763 gives the same sequence; the c. name uses the placement nearest the transcript's 3' end. VCF-style (leftmost placement, unchanged base first): chrX-77681755-CTTTTTA-C. GRCh37 (hg19) VCF-style: chrX-76937247-CTTTTTA-C.
Other names: c.3495_3500delTAAAAA (NM_000489.3); c.3381_3386del, p.Asn1127_Lys1128del (NM_138270.5).
Identifiers: ClinVar variation 504419 (VCV000504419.11), dbSNP rs1557137281, ClinGen allele CA658799807.

ClinVar aggregate classification (germline): Uncertain significance. Review status: criteria provided, multiple submitters, no conflicts (2 of 4 stars). 2 submissions from 2 submitters: Uncertain significance (2). Last evaluated 2022-10-26.

Conditions:
Alpha thalassemia-X-linked intellectual disability syndrome (ATRX). Also called: ALPHA-THALASSEMIA/MENTAL RETARDATION SYNDROME, X-LINKED; ATR, NONDELETION TYPE; X-linked alpha-thalassemia-mental retardation syndrome; ALPHA-THALASSEMIA/IMPAIRED INTELLECTUAL DEVELOPMENT SYNDROME, X-LINKED; ATR-X syndrome; Alpha thalassemia mental retardation syndrome, nondeletion type, X-linked. Identifiers: Orphanet 847, MedGen C1845055, MONDO:0010519, OMIM 301040.

Submissions (2):

Labcorp Genetics (formerly Invitae), Labcorp
Classification: Uncertain significance for Alpha thalassemia-X-linked intellectual disability syndrome. Last evaluated: 2022-10-26. Review status: criteria provided, single submitter. Criteria: Invitae Variant Classification Sherloc (09022015). Collection method: clinical testing. Allele origin: germline.
Comment: This variant, c.3495_3500del, results in the deletion of 2 amino acid(s) of the ATRX protein (p.Asn1165_Lys1166del), but otherwise preserves the integrity of the reading frame. This variant is not present in population databases (gnomAD no frequency). This variant has not been reported in the literature in individuals affected with ATRX-related conditions. ClinVar contains an entry for this variant (Variation ID: 504419). Experimental studies and prediction algorithms are not available or were not evaluated, and the functional significance of this variant is currently unknown. In summary, the available evidence is currently insufficient to determine the role of this variant in disease. Therefore, it has been classified as a Variant of Uncertain Significance.

GeneDx
Classification: Uncertain significance. Last evaluated: 2020-01-10. Review status: criteria provided, single submitter. Criteria: GeneDx Variant Classification Process June 2021. Collection method: clinical testing. Allele origin: germline. Affected: yes.
Comment: Not observed in large population cohorts (Lek et al., 2016); In silico analysis, which includes protein predictors and evolutionary conservation, supports a deleterious effect; Has not been previously published as pathogenic or benign to our knowledge